The following is an entry in ClinVar:

ClinVar aggregate classification (germline): Uncertain significance. Review status: criteria provided, multiple submitters, no conflicts (2 of 4 stars). 3 submissions from 3 submitters: Uncertain significance (2). 1 of the submissions does not count toward it. Last evaluated 2025-06-13.

Conditions:
Fabry disease. Also called: Angiokeratoma corporis diffusum; Fabry's disease; Ceramide trihexosidosis; ALPHA-GALACTOSIDASE A DEFICIENCY; ANDERSON-FABRY DISEASE; CERAMIDE TRIHEXOSIDASE DEFICIENCY. Identifiers: Orphanet 324, MedGen C0002986, MONDO:0010526, OMIM 301500, HP:0001071. Disease mechanism: Fabry disease is due to inactivating mutations in the X-linked GLA gene resulting in deficiency of the enzyme Alpha Galactosidase-A., loss of function.
Cardiovascular phenotype. Identifiers: MedGen CN230736.

Allele frequency attached by ClinVar (database versions not stated): gnomAD exomes below 0.00001 and 0.00001; ExAC 0.00001; gnomAD 0.00001; 1000 Genomes Project 30x 0.00021; 1000 Genomes Project 0.00026.
gnomAD v4.1: 2 of 1,191,278 alleles (0.00017%); highest among the groups gnomAD compares: Middle Eastern, 0.023%; no homozygotes.

Submissions (3):

Ambry Genetics
Classification: Uncertain significance for Cardiovascular phenotype. Last evaluated: 2025-06-13. Review status: criteria provided, single submitter. Criteria: Ambry Variant Classification Scheme 2023. Collection method: clinical testing. Allele origin: germline.
Comment: The p.S197N variant (also known as c.590G>A), located in coding exon 4 of the GLA gene, results from a G to A substitution at nucleotide position 590. The serine at codon 197 is replaced by asparagine, an amino acid with highly similar properties. This amino acid position is well conserved in available vertebrate species. In addition, the in silico prediction for this alteration is inconclusive. Based on data from gnomAD, the A allele has an overall frequency of <0.01% (1/181847) total alleles studied, with 1 hemizygote(s) observed. The highest observed frequency was < 0.01% (1/12997) of African alleles. Based on the available evidence, the clinical significance of this variant remains unclear.

Labcorp Genetics (formerly Invitae), Labcorp
Classification: Uncertain significance for Fabry disease. Last evaluated: 2021-08-28. Review status: criteria provided, single submitter. Criteria: Invitae Variant Classification Sherloc (09022015). Collection method: clinical testing. Allele origin: germline.
Comment: This sequence change replaces serine with asparagine at codon 197 of the GLA protein (p.Ser197Asn). The serine residue is highly conserved and there is a small physicochemical difference between serine and asparagine. The frequency data for this variant in the population databases is considered unreliable, as metrics indicate poor data quality at this position in the ExAC database. This variant has not been reported in the literature in individuals affected with GLA-related conditions. Algorithms developed to predict the effect of missense changes on protein structure and function (SIFT, PolyPhen-2, Align-GVGD) all suggest that this variant is likely to be tolerated. In summary, the available evidence is currently insufficient to determine the role of this variant in disease. Therefore, it has been classified as a Variant of Uncertain Significance.

Natera, Inc.
Classification: Uncertain significance for Fabry disease. Last evaluated: 2021-02-25. Review status: no assertion criteria provided. Collection method: clinical testing. Allele origin: germline. Not counted in ClinVar's aggregate classification.

NM_000169.3(GLA):c.590G>A (p.Ser197Asn)

Genes: GLA (galactosidase alpha; minus strand), RPL36A-HNRNPH2 (RPL36A-HNRNPH2 readthrough; plus strand). Cytogenetic location: Xq22.1.
Variant type: single nucleotide variant.
Coding change: c.590G>A on transcript NM_000169.3 (MANE Select); coding-DNA position 590, G replaced by A.
Protein change: p.Ser197Asn; replaces serine 197 with asparagine.
Molecular consequence: missense variant. On other transcripts: non-coding transcript variant (2), intron variant (2).
Genome position (GRCh38, 1-based): chrX:101,400,715, C>T on the plus strand (G>A on the coding strand, the complement: GLA is on the minus strand). VCF-style: chrX-101400715-C-T. GRCh37 (hg19) VCF-style: chrX-100655703-C-T.
Other names: c.713G>A, p.Ser238Asn (NM_001406747.1); c.590G>A, p.Ser197Asn (NM_001406748.1); c.300+5258C>T (NM_001199973.2); c.177+8893C>T (NM_001199974.2); short protein forms S197N, S238N.
Identifiers: ClinVar variation 453319 (VCV000453319.12), dbSNP rs201679091, ClinGen allele CA031453.